The following is an entry in ClinVar:

NC_000023.10:g.(?_77041448)_(77041507_?)dup

Gene: ATRX (ATRX chromatin remodeler; minus strand). Cytogenetic location: Xq21.1.
Variant type: Duplication.
Identifiers: ClinVar variation 832238 (VCV000832238.1).

ClinVar aggregate classification (germline): Uncertain significance (1 of 4 stars; one submission).

Conditions:
Alpha thalassemia-X-linked intellectual disability syndrome (ATRX). Also called: ATR-X syndrome; Alpha thalassemia mental retardation syndrome, nondeletion type, X-linked; XLMR hypotonic face syndrome; ALPHA-THALASSEMIA/IMPAIRED INTELLECTUAL DEVELOPMENT SYNDROME, X-LINKED; ALPHA-THALASSEMIA/MENTAL RETARDATION SYNDROME, X-LINKED; ATR, NONDELETION TYPE. Identifiers: Orphanet 847, MedGen C1845055, MONDO:0010519, OMIM 301040.

Submission:

Labcorp Genetics (formerly Invitae), Labcorp
Classification: Uncertain significance for ATR-X syndrome. Last evaluated: 2019-09-03. Review status: criteria provided, single submitter. Criteria: Invitae Variant Classification Sherloc (09022015). Collection method: clinical testing. Allele origin: germline.
Comment: This variant results in a copy number gain of the genomic region encompassing exon 1 of the ATRX gene. The 5' end of this event is unknown as it extends beyond the assayed region for this gene and therefore may encompass additional genes. The 3' boundary is likely confined to intron 1 of the ATRX gene. As the precise location of this event is unknown, it may be in tandem or it may be located elsewhere in the genome. This variant has not been reported in the literature in individuals with ATRX-related conditions. In summary, the available evidence is currently insufficient to determine the role of this variant in disease. Therefore, it has been classified as a Variant of Uncertain Significance.